The following is an entry in ClinVar:

ClinVar aggregate classification (germline): Uncertain significance (1 of 4 stars; one submission).

Allele frequency attached by ClinVar (database versions not stated): gnomAD exomes below 0.00001.
gnomAD v4.1: 4 of 1,614,056 alleles (0.00025%); highest among the groups gnomAD compares: South Asian, 0.0011%; no homozygotes.

Submission:

CeGaT Center for Human Genetics Tuebingen
Classification: Uncertain significance. Last evaluated: 2023-06-01. Review status: criteria provided, single submitter. Criteria: CeGaT Center For Human Genetics Tuebingen Variant Classification Criteria Version 2. Collection method: clinical testing. Allele origin: germline. Affected: yes. Observed: 1 variant allele.
Comment: COG4: PM2, BP4

NM_015386.3(COG4):c.31C>T (p.Pro11Ser)

Gene: COG4 (component of oligomeric golgi complex 4; minus strand). Cytogenetic location: 16q22.1.
Variant type: single nucleotide variant.
Coding change: c.31C>T on transcript NM_015386.3 (MANE Select); coding-DNA position 31, C replaced by T.
Protein change: p.Pro11Ser; replaces proline 11 with serine.
Molecular consequence: missense variant. On other transcripts: 5 prime UTR variant (1), non-coding transcript variant (1).
Genome position (GRCh38, 1-based): chr16:70,523,513, G>A on the plus strand (C>T on the coding strand, the complement: COG4 is on the minus strand). VCF-style: chr16-70523513-G-A. GRCh37 (hg19) VCF-style: chr16-70557416-G-A.
Other names: c.19C>T, p.Pro7Ser (NM_001195139.2); c.-569C>T (NM_001365426.1); short protein forms P11S, P7S.
Identifiers: ClinVar variation 2646684 (VCV002646684.24), dbSNP rs1555498590, ClinGen allele CA396581622.